The following is an entry in ClinVar:

ClinVar aggregate classification (germline): Pathogenic (1 of 4 stars; one submission).

Conditions:
Early-infantile DEE. Also called: Ohtahara syndrome; Early infantile epileptic encephalopathy; Early infantile epileptic encephalopathy with suppression bursts. Identifiers: Orphanet 1934, MedGen C0393706, MONDO:0800491.

Submission:

Labcorp Genetics (formerly Invitae), Labcorp
Classification: Pathogenic for Early-infantile DEE. Last evaluated: 2024-05-08. Review status: criteria provided, single submitter. Criteria: Invitae Variant Classification Sherloc (09022015). Collection method: clinical testing. Allele origin: germline.
Comment: This sequence change creates a premature translational stop signal (p.Leu1324Glnfs*10) in the SCN1A gene. It is expected to result in an absent or disrupted protein product. Loss-of-function variants in SCN1A are known to be pathogenic (PMID: 17347258, 18930999). This variant is not present in population databases (gnomAD no frequency). This variant has not been reported in the literature in individuals affected with SCN1A-related conditions. For these reasons, this variant has been classified as Pathogenic.

Literature cited by the submitters: PubMed 17347258; PubMed 18930999.

NM_001165963.4(SCN1A):c.3971del (p.Leu1324fs)

Genes: SCN1A (sodium voltage-gated channel alpha subunit 1; minus strand), LOC102724058 (uncharacterized LOC102724058; plus strand). Cytogenetic location: 2q24.3.
Variant type: Deletion.
Coding change: c.3971del on transcript NM_001165963.4 (MANE Select); coding-DNA position 3971, one base deleted (T; older notation c.3971delT).
Protein change: p.Leu1324fs; shifts the reading frame from leucine 1324.
Molecular consequence: frameshift variant. On other transcripts: non-coding transcript variant (1).
Genome position (GRCh38, 1-based): chr2:166,009,750, A deleted on the plus strand (T on the coding strand, the reverse complement: SCN1A is on the minus strand). VCF-style (leftmost placement, unchanged base first): chr2-166009749-TA-T. GRCh37 (hg19) VCF-style: chr2-166866259-TA-T.
Other names: c.3938del, p.Leu1313fs (NM_001353951.2, NM_001353952.2, NM_001353949.2 and 2 more transcripts); c.3935del, p.Leu1312fs (NM_001353954.2, NM_001353955.2); c.3887del, p.Leu1296fs (NM_001165964.3, NM_001353957.2, NM_001353958.2); c.3971del, p.Leu1324fs (NM_001202435.3, NM_001353948.2); c.3884del, p.Leu1295fs (NM_001353960.2); c.1529del, p.Leu510fs (NM_001353961.2); short protein forms L1296fs, L1313fs, L510fs, L1295fs, L1312fs, L1324fs.
Identifiers: ClinVar variation 3652641 (VCV003652641.2).